The following is an entry in ClinVar:

NM_000214.3(JAG1):c.962A>G (p.Gln321Arg)

Gene: JAG1 (jagged canonical Notch ligand 1; minus strand). Cytogenetic location: 20p12.2.
Variant type: single nucleotide variant.
Coding change: c.962A>G on transcript NM_000214.3 (MANE Select); coding-DNA position 962, A replaced by G.
Protein change: p.Gln321Arg; replaces glutamine 321 with arginine.
Molecular consequence: missense variant.
Genome position (GRCh38, 1-based): chr20:10,652,175, T>C on the plus strand (A>G on the coding strand, the complement: JAG1 is on the minus strand). VCF-style: chr20-10652175-T-C. GRCh37 (hg19) VCF-style: chr20-10632823-T-C.
Other names: short protein forms Q321R.
Identifiers: ClinVar variation 959401 (VCV000959401.9), dbSNP rs2067351426, ClinGen allele CA408239002.

ClinVar aggregate classification (germline): Uncertain significance (1 of 4 stars; one submission).

Conditions:
Alagille syndrome due to a JAG1 point mutation. Also called: JAG1-Related Alagille Syndrome; Alagille Syndrome 1; HEPATIC DUCTULAR HYPOPLASIA, SYNDROMATIC. Identifiers: Orphanet 261619, Orphanet 52, MedGen C1956125, MONDO:0016862, OMIM 118450.

Allele frequency attached by ClinVar (database versions not stated): gnomAD exomes below 0.00001.
gnomAD v4.1: 1 of 1,614,050 alleles (0.000062%); highest among the groups gnomAD compares: South Asian, 0.0011%; no homozygotes.

Submission:

Labcorp Genetics (formerly Invitae), Labcorp
Classification: Uncertain significance for Alagille syndrome due to a JAG1 point mutation. Last evaluated: 2022-01-15. Review status: criteria provided, single submitter. Criteria: Invitae Variant Classification Sherloc (09022015). Collection method: clinical testing. Allele origin: germline.
Comment: This sequence change replaces glutamine, which is neutral and polar, with arginine, which is basic and polar, at codon 321 of the JAG1 protein (p.Gln321Arg). This variant is not present in population databases (gnomAD no frequency). This variant has not been reported in the literature in individuals affected with JAG1-related conditions. ClinVar contains an entry for this variant (Variation ID: 959401). Advanced modeling of protein sequence and biophysical properties (such as structural, functional, and spatial information, amino acid conservation, physicochemical variation, residue mobility, and thermodynamic stability) performed at Invitae indicates that this missense variant is not expected to disrupt JAG1 protein function. In summary, the available evidence is currently insufficient to determine the role of this variant in disease. Therefore, it has been classified as a Variant of Uncertain Significance.